The following is an entry in ClinVar:

NM_005220.3(DLX3):c.571G>C (p.Gly191Arg)

Gene: DLX3 (distal-less homeobox 3; minus strand). Cytogenetic location: 17q21.33.
Variant type: single nucleotide variant.
Coding change: c.571G>C on transcript NM_005220.3 (MANE Select); coding-DNA position 571, G replaced by C.
Protein change: p.Gly191Arg; replaces glycine 191 with arginine.
Molecular consequence: missense variant.
Genome position (GRCh38, 1-based): chr17:49,991,810, C>G on the plus strand (G>C on the coding strand, the complement: DLX3 is on the minus strand). VCF-style: chr17-49991810-C-G. GRCh37 (hg19) VCF-style: chr17-48069174-C-G.
Other names: short protein forms G191R.
Identifiers: ClinVar variation 3682457 (VCV003682457.2).

ClinVar aggregate classification (germline): Uncertain significance (1 of 4 stars; one submission).

gnomAD v4.1: 5 of 1,614,072 alleles (0.00031%); highest among the groups gnomAD compares: Non-Finnish European, 0.000085%; no homozygotes.

Submission:

Labcorp Genetics (formerly Invitae), Labcorp
Classification: Uncertain significance. Last evaluated: 2024-03-30. Review status: criteria provided, single submitter. Criteria: Invitae Variant Classification Sherloc (09022015). Collection method: clinical testing. Allele origin: germline.
Comment: This sequence change replaces glycine, which is neutral and non-polar, with arginine, which is basic and polar, at codon 191 of the DLX3 protein (p.Gly191Arg). This variant is not present in population databases (gnomAD no frequency). This variant has not been reported in the literature in individuals affected with DLX3-related conditions. Advanced modeling of protein sequence and biophysical properties (such as structural, functional, and spatial information, amino acid conservation, physicochemical variation, residue mobility, and thermodynamic stability) performed at Invitae indicates that this missense variant is expected to disrupt DLX3 protein function with a positive predictive value of 80%. In summary, the available evidence is currently insufficient to determine the role of this variant in disease. Therefore, it has been classified as a Variant of Uncertain Significance.